The following is an entry in ClinVar:

NM_000836.4(GRIN2D):c.830C>G (p.Pro277Arg)

Gene: GRIN2D (glutamate ionotropic receptor NMDA type subunit 2D; plus strand). Cytogenetic location: 19q13.33.
Variant type: single nucleotide variant.
Coding change: c.830C>G on transcript NM_000836.4 (MANE Select); coding-DNA position 830, C replaced by G.
Protein change: p.Pro277Arg; replaces proline 277 with arginine.
Molecular consequence: missense variant.
Genome position (GRCh38, 1-based): chr19:48,405,098, C>G. VCF-style: chr19-48405098-C-G. GRCh37 (hg19) VCF-style: chr19-48908355-C-G.
Other names: c.830C>G (NM_000836.2); short protein forms P277R.
Identifiers: ClinVar variation 1505581 (VCV001505581.9), dbSNP rs771300277, ClinGen allele CA9550394.

ClinVar aggregate classification (germline): Uncertain significance. Review status: criteria provided, multiple submitters, no conflicts (2 of 4 stars). 2 submissions from 2 submitters: Uncertain significance (2). Last evaluated 2025-11-12.

Conditions:
Inborn genetic diseases. Identifiers: MedGen C0950123, MeSH D030342.

Allele frequency attached by ClinVar (database versions not stated): gnomAD 0.00001; TOPMed 0.00001; ExAC 0.00002.
gnomAD v4.1: 6 of 1,595,598 alleles (0.00038%); highest among the groups gnomAD compares: Non-Finnish European, 0.00051%; no homozygotes.

Submissions (2):

Ambry Genetics
Classification: Uncertain significance for Inborn genetic diseases. Last evaluated: 2025-11-12. Review status: criteria provided, single submitter. Criteria: Ambry Variant Classification Scheme 2023. Collection method: clinical testing. Allele origin: germline.

Labcorp Genetics (formerly Invitae), Labcorp
Classification: Uncertain significance. Last evaluated: 2025-02-20. Review status: criteria provided, single submitter. Criteria: Invitae Variant Classification Sherloc (09022015). Collection method: clinical testing. Allele origin: germline.
Comment: This sequence change replaces proline, which is neutral and non-polar, with arginine, which is basic and polar, at codon 277 of the GRIN2D protein (p.Pro277Arg). This variant is present in population databases (rs771300277, gnomAD 0.001%). This variant has not been reported in the literature in individuals affected with GRIN2D-related conditions. ClinVar contains an entry for this variant (Variation ID: 1505581). Invitae Evidence Modeling of protein sequence and biophysical properties (such as structural, functional, and spatial information, amino acid conservation, physicochemical variation, residue mobility, and thermodynamic stability) indicates that this missense variant is not expected to disrupt GRIN2D protein function with a negative predictive value of 80%. In summary, the available evidence is currently insufficient to determine the role of this variant in disease. Therefore, it has been classified as a Variant of Uncertain Significance.